The following is an entry in ClinVar:

NM_000368.5(TSC1):c.209A>G (p.Lys70Arg)

Gene: TSC1 (TSC complex subunit 1; minus strand). Cytogenetic location: 9q34.13.
Variant type: single nucleotide variant.
Coding change: c.209A>G on transcript NM_000368.5 (MANE Select); coding-DNA position 209, A replaced by G.
Protein change: p.Lys70Arg; replaces lysine 70 with arginine.
Molecular consequence: missense variant. On other transcripts: intron variant (9), 5 prime UTR variant (9), non-coding transcript variant (4).
Genome position (GRCh38, 1-based): chr9:132,927,202, T>C on the plus strand (A>G on the coding strand, the complement: TSC1 is on the minus strand). VCF-style: chr9-132927202-T-C. GRCh37 (hg19) VCF-style: chr9-135802589-T-C.
Other names: c.209A>G, p.Lys70Arg (NM_001406594.1, NM_001406595.1, NM_001406596.1 and 21 more transcripts); c.-245-1463A>G (NM_001406614.1); c.-280A>G (NM_001406615.1, NM_001406623.1); c.-247A>G (NM_001406616.1, NM_001406624.1); c.-669A>G (NM_001406626.1, NM_001406627.1, NM_001406628.1); c.-811A>G (NM_001406629.1); c.-885A>G (NM_001406630.1); c.-153-1463A>G (NM_001406620.1, NM_001406618.1, NM_001406625.1 and 5 more transcripts); short protein forms K70R.
Identifiers: ClinVar variation 3661189 (VCV003661189.2).
Genomic context (GRCh38, chr9:132,927,202, plus strand): 5'-ACAGAAGCTGTTGTACTCATGAAGAACATATGAAATGCCTATGATATTTCAGCCATTACC[T>C]TGTCATGTGGCTCTTGCAAGGTGGTCAGGATGTGCAATGCCGGCTGAGAGCTGGTTTCCA-3'
Protein context (NP_000359.1, residues 60-80): ILTTLQEPHD[Lys70Arg]HLLDRINEYV

ClinVar aggregate classification (germline): Uncertain significance (1 of 4 stars; one submission).

Conditions:
Tuberous sclerosis 1 (TSC1). Identifiers: Orphanet 805, MedGen C1854465, MONDO:0008612, OMIM 191100.

Submission:

Labcorp Genetics (formerly Invitae), Labcorp
Classification: Uncertain significance for Tuberous sclerosis 1. Last evaluated: 2025-11-17. Review status: criteria provided, single submitter. Criteria: Invitae Variant Classification Sherloc (09022015). Collection method: clinical testing. Allele origin: germline.
Comment: This sequence change replaces lysine, which is basic and polar, with arginine, which is basic and polar, at codon 70 of the TSC1 protein (p.Lys70Arg). This variant is not present in population databases (gnomAD no frequency). This variant has not been reported in the literature in individuals affected with TSC1-related conditions. ClinVar contains an entry for this variant (Variation ID: 3661189). Invitae Evidence Modeling of protein sequence and biophysical properties (such as structural, functional, and spatial information, amino acid conservation, physicochemical variation, residue mobility, and thermodynamic stability) indicates that this missense variant is not expected to disrupt TSC1 protein function with a negative predictive value of 95%. Algorithms developed to predict the effect of sequence changes on RNA splicing suggest that this variant may disrupt the consensus splice site. In summary, the available evidence is currently insufficient to determine the role of this variant in disease. Therefore, it has been classified as a Variant of Uncertain Significance.